The following is an entry in ClinVar:

ClinVar aggregate classification (germline): Pathogenic (1 of 4 stars; one submission).

Conditions:
Autosomal recessive limb-girdle muscular dystrophy. Identifiers: Orphanet 102015, MedGen C2931907, MONDO:0015152.

Submission:

Myriad Genetics, Inc.
Classification: Pathogenic for Autosomal recessive limb-girdle muscular dystrophy. Last evaluated: 2025-05-21. Review status: criteria provided, single submitter. Criteria: Myriad Autosomal Dominant, Autosomal Recessive and X-Linked Classification Criteria (2023). Collection method: clinical testing. Allele origin: unknown.
Comment: NM_003494.3(DYSF):c.317_326del10ins3(L106Hfs*2) is a frameshift variant classified as pathogenic in the context of dysferlinopathy. L106Hfs*2 has not been observed in cases with relevant disease. Relevant functional assessments of this variant are not available in the literature. L106Hfs*2 has not been observed in referenced population frequency databases. In summary, NM_003494.3(DYSF):c.317_326del10ins3(L106Hfs*2) is a frameshift variant in a gene where loss of function is a known mechanism of disease and is predicted to disrupt protein function. Please note: this variant was assessed in the context of healthy population screening.

NM_001130987.2(DYSF):c.320_329delinsATT (p.Leu107fs)

Gene: DYSF (dysferlin; plus strand). Cytogenetic location: 2p13.2.
Variant type: Indel.
Coding change: c.320_329delinsATT on transcript NM_001130987.2 (MANE Select); coding-DNA positions 320 to 329, TGGACACCAA replaced by ATT.
Protein change: p.Leu107fs; shifts the reading frame from leucine 107.
Molecular consequence: frameshift variant.
Genome position (GRCh38, 1-based): chr2:71,503,294-71,503,303, TGGACACCAA replaced by ATT. VCF-style: chr2-71503294-TGGACACCAA-ATT. GRCh37 (hg19) VCF-style: chr2-71730424-TGGACACCAA-ATT.
Other names: c.320_329delinsATT, p.Leu107fs (NM_001130455.2, NM_001130982.2, NM_001130983.2 and 3 more transcripts); c.317_326delinsATT, p.Leu106fs (NM_001130976.2, NM_001130977.2, NM_001130978.2 and 4 more transcripts); short protein forms L106fs, L107fs.
Identifiers: ClinVar variation 1723990 (VCV001723990.3), dbSNP rs2545295522, ClinGen allele CA2580067774.